The following is an entry in ClinVar:

ClinVar aggregate classification (germline): Uncertain significance (1 of 4 stars; one submission).

Conditions:
Familial cancer of breast. Also called: BREAST CANCER, FAMILIAL; Hereditary breast cancer; hereditary breast carcinoma. Identifiers: Orphanet 227535, MedGen C0346153, MONDO:0016419, OMIM 114480. Disease mechanism: loss of function.

Submission:

Labcorp Genetics (formerly Invitae), Labcorp
Classification: Uncertain significance for Familial cancer of breast. Last evaluated: 2023-07-17. Review status: criteria provided, single submitter. Criteria: Invitae Variant Classification Sherloc (09022015). Collection method: clinical testing. Allele origin: germline.
Comment: In summary, the available evidence is currently insufficient to determine the role of this variant in disease. Therefore, it has been classified as a Variant of Uncertain Significance. This variant results in a copy number gain of the genomic region encompassing exon(s) 2 of the CHEK2 gene. This region includes the initiator codon of the gene. This copy number gain extends beyond the assayed region for this gene and therefore may encompass additional genes. As the precise location of this event is unknown, it may be in tandem or it may be located elsewhere in the genome. This variant has not been reported in the literature in individuals affected with CHEK2-related conditions. Experimental studies and prediction algorithms are not available or were not evaluated, and the functional significance of this variant is currently unknown.

NC_000022.10:g.(?_29130381)_(29130713_?)dup

Gene: CHEK2 (checkpoint kinase 2; minus strand). Cytogenetic location: 22q12.1.
Variant type: Duplication.
Identifiers: ClinVar variation 1015630 (VCV001015630.7).